The following is an entry in ClinVar:

ClinVar aggregate classification (germline): Uncertain significance (1 of 4 stars; one submission).

Allele frequency attached by ClinVar (database versions not stated): TOPMed 0.00001.

Submission:

Labcorp Genetics (formerly Invitae), Labcorp
Classification: Uncertain significance. Last evaluated: 2024-10-21. Review status: criteria provided, single submitter. Criteria: Invitae Variant Classification Sherloc (09022015). Collection method: clinical testing. Allele origin: germline.
Comment: This sequence change replaces isoleucine, which is neutral and non-polar, with valine, which is neutral and non-polar, at codon 925 of the TUBGCP6 protein (p.Ile925Val). This variant is not present in population databases (gnomAD no frequency). This variant has not been reported in the literature in individuals affected with TUBGCP6-related conditions. ClinVar contains an entry for this variant (Variation ID: 1385714). An algorithm developed to predict the effect of missense changes on protein structure and function (PolyPhen-2) suggests that this variant is likely to be tolerated. In summary, the available evidence is currently insufficient to determine the role of this variant in disease. Therefore, it has been classified as a Variant of Uncertain Significance.

NM_020461.4(TUBGCP6):c.2773A>G (p.Ile925Val)

Gene: TUBGCP6 (tubulin gamma complex component 6; minus strand). Cytogenetic location: 22q13.33.
Variant type: single nucleotide variant.
Coding change: c.2773A>G on transcript NM_020461.4 (MANE Select); coding-DNA position 2773, A replaced by G.
Protein change: p.Ile925Val; replaces isoleucine 925 with valine.
Molecular consequence: missense variant.
Genome position (GRCh38, 1-based): chr22:50,221,586, T>C on the plus strand (A>G on the coding strand, the complement: TUBGCP6 is on the minus strand). VCF-style: chr22-50221586-T-C. GRCh37 (hg19) VCF-style: chr22-50660015-T-C.
Other names: short protein forms I925V.
Identifiers: ClinVar variation 1385714 (VCV001385714.8), dbSNP rs1407800396, ClinGen allele CA412186908.